The following is an entry in ClinVar:

NM_014319.5(LEMD3):c.665G>A (p.Gly222Glu)

Gene: LEMD3 (LEM domain containing 3; plus strand). Cytogenetic location: 12q14.3.
Variant type: single nucleotide variant.
Coding change: c.665G>A on transcript NM_014319.5 (MANE Select); coding-DNA position 665, G replaced by A.
Protein change: p.Gly222Glu; replaces glycine 222 with glutamic acid.
Molecular consequence: missense variant.
Genome position (GRCh38, 1-based): chr12:65,170,261, G>A. VCF-style: chr12-65170261-G-A. GRCh37 (hg19) VCF-style: chr12-65564041-G-A.
Other names: c.665G>A, p.Gly222Glu (NM_001167614.2); short protein forms G222E.
Identifiers: ClinVar variation 3003747 (VCV003003747.3), dbSNP rs1417036862, ClinGen allele CA385673695.

ClinVar aggregate classification (germline): Uncertain significance (1 of 4 stars; one submission).

Allele frequency attached by ClinVar (database versions not stated): TOPMed below 0.00001; gnomAD 0.00001.
gnomAD v4.1: 9 of 1,560,384 alleles (0.00058%); highest among the groups gnomAD compares: Non-Finnish European, 0.00069%; no homozygotes.

Submission:

Labcorp Genetics (formerly Invitae), Labcorp
Classification: Uncertain significance. Last evaluated: 2024-08-12. Review status: criteria provided, single submitter. Criteria: Invitae Variant Classification Sherloc (09022015). Collection method: clinical testing. Allele origin: germline.
Comment: This sequence change replaces glycine, which is neutral and non-polar, with glutamic acid, which is acidic and polar, at codon 222 of the LEMD3 protein (p.Gly222Glu). This variant is present in population databases (no rsID available, gnomAD 0.002%). This variant has not been reported in the literature in individuals affected with LEMD3-related conditions. Advanced modeling of protein sequence and biophysical properties (such as structural, functional, and spatial information, amino acid conservation, physicochemical variation, residue mobility, and thermodynamic stability) performed at Invitae indicates that this missense variant is not expected to disrupt LEMD3 protein function with a negative predictive value of 80%. In summary, the available evidence is currently insufficient to determine the role of this variant in disease. Therefore, it has been classified as a Variant of Uncertain Significance.